The following is an entry in ClinVar:

NM_015409.5(EP400):c.-7G>A

Gene: EP400 (E1A binding protein p400; plus strand). Cytogenetic location: 12q24.33.
Variant type: single nucleotide variant.
Coding change: c.-7G>A on transcript NM_015409.5 (MANE Select); 7 bases upstream of the start codon, G replaced by A.
Molecular consequence: 5 prime UTR variant.
Genome position (GRCh38, 1-based): chr12:131,960,613, G>A. VCF-style: chr12-131960613-G-A. GRCh37 (hg19) VCF-style: chr12-132445158-G-A.
Identifiers: ClinVar variation 3041575 (VCV003041575.2), dbSNP rs76455802, ClinGen allele CA6884408.

ClinVar aggregate classification (germline): Benign (0 of 4 stars; one submission).

Conditions:
EP400-related disorder. Also called: EP400-related condition.

Allele frequency attached by ClinVar (database versions not stated): 1000 Genomes Project 30x 0.00531; 1000 Genomes Project 0.00579; ESP Exome Variant Server 0.00901; TOPMed 0.00957; gnomAD 0.01138; gnomAD exomes 0.01752; ExAC 0.02385.
gnomAD v4.1: 26,577 of 1,582,414 alleles (1.7%); highest among the groups gnomAD compares: Non-Finnish European, 2%; 265 homozygotes.

Submission:

PreventionGenetics, part of Exact Sciences
Classification: Benign for EP400-related condition. Last evaluated: 2019-08-30. Review status: no assertion criteria provided. Collection method: clinical testing. Allele origin: germline.
Comment: This variant is classified as benign based on ACMG/AMP sequence variant interpretation guidelines (Richards et al. 2015 PMID: 25741868, with internal and published modifications).